The following is an entry in ClinVar:

NM_001312909.2(FAM111A):c.1766A>C (p.His589Pro)

Gene: FAM111A (FAM111 trypsin like peptidase A; plus strand). Cytogenetic location: 11q12.1.
Variant type: single nucleotide variant.
Coding change: c.1766A>C on transcript NM_001312909.2 (MANE Select); coding-DNA position 1766, A replaced by C.
Protein change: p.His589Pro; replaces histidine 589 with proline.
Molecular consequence: missense variant.
Genome position (GRCh38, 1-based): chr11:59,153,434, A>C. VCF-style: chr11-59153434-A-C. GRCh37 (hg19) VCF-style: chr11-58920907-A-C.
Other names: c.1766A>C, p.His589Pro (NM_001374849.1, NM_001374850.1, NM_001374851.1 and 29 more transcripts); short protein forms H589P.
Identifiers: ClinVar variation 4855071 (VCV004855071.1).

ClinVar aggregate classification (germline): Uncertain significance (1 of 4 stars; one submission).

Conditions:
Autosomal dominant Kenny-Caffey syndrome. Also called: Kenny-Caffey syndrome type 2. Identifiers: Orphanet 2333, Orphanet 93325, MedGen C4316787, MONDO:0007478, OMIM 127000.

Submission:

3billion
Classification: Uncertain significance for Autosomal dominant Kenny-Caffey syndrome. Last evaluated: 2025-09-02. Review status: criteria provided, single submitter. Criteria: ACMG Guidelines, 2015. Collection method: clinical testing. Allele origin: germline. Affected: yes.
Comment: The variant is not observed in the gnomAD v4.1.0 dataset. Predicted Consequence/Location: Missense variant. Missense changes are a common disease-causing mechanism. In silico tool predictions suggest no damaging effect of the variant on gene or gene product [REVEL: 0.24 (<0.4); 3Cnet: 0.02 (<0.1, specificity 0.84 and negative predicitive value 0.97)]. Therefore, this variant is classified as VUS according to the recommendation of ACMG/AMP guideline.